The following is an entry in ClinVar:

NM_201384.3(PLEC):c.10360G>A (p.Gly3454Ser)

Gene: PLEC (plectin; minus strand). Cytogenetic location: 8q24.3.
Variant type: single nucleotide variant.
Coding change: c.10360G>A on transcript NM_201384.3 (MANE Select); coding-DNA position 10360, G replaced by A.
Protein change: p.Gly3454Ser; replaces glycine 3454 with serine.
Molecular consequence: missense variant.
Genome position (GRCh38, 1-based): chr8:143,919,461, C>T on the plus strand (G>A on the coding strand, the complement: PLEC is on the minus strand). VCF-style: chr8-143919461-C-T. GRCh37 (hg19) VCF-style: chr8-144993629-C-T.
Other names: c.10441G>A, p.Gly3481Ser (NM_000445.5); c.10318G>A, p.Gly3440Ser (NM_201378.4); c.10294G>A, p.Gly3432Ser (NM_201379.3); c.10771G>A, p.Gly3591Ser (NM_201380.4); c.10264G>A, p.Gly3422Ser (NM_201381.3); c.10360G>A, p.Gly3454Ser (NM_201382.4); c.10372G>A, p.Gly3458Ser (NM_201383.3); c.10441G>A (NM_000445.3); short protein forms G3432S, G3458S, G3591S, G3422S, G3440S, G3454S, G3481S.
Identifiers: ClinVar variation 1487589 (VCV001487589.7), dbSNP rs781866713, ClinGen allele CA4924678.

ClinVar aggregate classification (germline): Uncertain significance. Review status: criteria provided, multiple submitters, no conflicts (2 of 4 stars). 2 submissions from 2 submitters: Uncertain significance (2). Last evaluated 2026-01-21.

Conditions:
Epidermolysis bullosa simplex, Ogna type (EBS5A). Also called: Pidermolysis bullosa simplex 5A, Ogna type; EPIDERMOLYSIS BULLOSA SIMPLEX 5A, OGNA TYPE. Identifiers: Orphanet 79401, MedGen C0432317, MONDO:0007555, OMIM 131950.
Epidermolysis bullosa simplex with nail dystrophy (EBS5D). Identifiers: MedGen C4225309, MONDO:0014661, OMIM 616487.
Epidermolysis bullosa simplex 5C, with pyloric atresia (EBS5C). Also called: PLEC-Related Epidermolysis Bullosa with Pyloric Atresia; Epidermolysis bullosa simplex with pyloric atresia; PLEC1-Related Epidermolysis Bullosa with Pyloric Atresia. Identifiers: Orphanet 158684, MedGen C2677349, MONDO:0012807, OMIM 612138.
Autosomal recessive limb-girdle muscular dystrophy type 2Q (LGMDR17). Also called: MUSCULAR DYSTROPHY, LIMB-GIRDLE, AUTOSOMAL RECESSIVE 17. Identifiers: Orphanet 254361, MedGen C3150989, MONDO:0013390, OMIM 613723.
Epidermolysis bullosa simplex 5B, with muscular dystrophy (EBS5B). Also called: EPIDERMOLYSIS BULLOSA SIMPLEX AND LIMB-GIRDLE MUSCULAR DYSTROPHY; Epidermolysis bullosa simplex with muscular dystrophy. Identifiers: Orphanet 257, MedGen C2931072, MONDO:0009181, OMIM 226670.
Inborn genetic diseases. Identifiers: MedGen C0950123, MeSH D030342.

Allele frequency attached by ClinVar (database versions not stated): gnomAD 0.00001; gnomAD exomes below 0.00001; TOPMed below 0.00001; ExAC 0.00001.

Submissions (2):

Ambry Genetics
Classification: Uncertain significance for Inborn genetic diseases. Last evaluated: 2026-01-21. Review status: criteria provided, single submitter. Criteria: Ambry Variant Classification Scheme 2023. Collection method: clinical testing. Allele origin: germline.
Comment: The c.10441G>A (p.G3481S) alteration is located in exon 33 (coding exon 32) of the PLEC gene. This alteration results from a G to A substitution at nucleotide position 10441, causing the glycine (G) at amino acid position 3481 to be replaced by a serine (S). Based on data from gnomAD, the A allele has an overall frequency of <0.001% (1/248714) total alleles studied. The highest observed frequency was 0.003% (1/30574) of South Asian alleles. Based on insufficient or conflicting evidence, the clinical significance of this alteration remains unclear.

Labcorp Genetics (formerly Invitae), Labcorp
Classification: Uncertain significance for Autosomal recessive limb-girdle muscular dystrophy type 2Q; Epidermolysis bullosa simplex, Ogna type; Epidermolysis bullosa simplex with nail dystrophy; Epidermolysis bullosa simplex 5C, with pyloric atresia; Epidermolysis bullosa simplex 5B, with muscular dystrophy. Last evaluated: 2023-11-06. Review status: criteria provided, single submitter. Criteria: Invitae Variant Classification Sherloc (09022015). Collection method: clinical testing. Allele origin: germline.
Comment: This sequence change replaces glycine, which is neutral and non-polar, with serine, which is neutral and polar, at codon 3481 of the PLEC protein (p.Gly3481Ser). This variant is present in population databases (rs781866713, gnomAD 0.003%). This variant has not been reported in the literature in individuals affected with PLEC-related conditions. ClinVar contains an entry for this variant (Variation ID: 1487589). Advanced modeling of protein sequence and biophysical properties (such as structural, functional, and spatial information, amino acid conservation, physicochemical variation, residue mobility, and thermodynamic stability) performed at Invitae indicates that this missense variant is not expected to disrupt PLEC protein function with a negative predictive value of 80%. In summary, the available evidence is currently insufficient to determine the role of this variant in disease. Therefore, it has been classified as a Variant of Uncertain Significance.